The following is an entry in ClinVar:

NM_005219.5(DIAPH1):c.745G>C (p.Asp249His)

Gene: DIAPH1 (diaphanous related formin 1; minus strand). Cytogenetic location: 5q31.3.
Variant type: single nucleotide variant.
Coding change: c.745G>C on transcript NM_005219.5 (MANE Select); coding-DNA position 745, G replaced by C.
Protein change: p.Asp249His; replaces aspartic acid 249 with histidine.
Molecular consequence: missense variant.
Genome position (GRCh38, 1-based): chr5:141,580,823, C>G on the plus strand (G>C on the coding strand, the complement: DIAPH1 is on the minus strand). VCF-style: chr5-141580823-C-G. GRCh37 (hg19) VCF-style: chr5-140960390-C-G.
Other names: c.718G>C, p.Asp240His (NM_001079812.3); c.745G>C, p.Asp249His (NM_001314007.2); short protein forms D240H, D249H.
Identifiers: ClinVar variation 3769914 (VCV003769914.1).
Genomic context (GRCh38, chr5:141,580,823, plus strand): 5'-GAATACAAAGAGCAGAAAGCAGCTTAGCTGCATCAATCATCATGTTGGGAACAGCAGGAT[C>G]CATGGCTCTGACCAGCAGTAGGATTCCTTCTTCTGTCTCCAACATGGTCTTGATTCCAAA-3'
Protein context (NP_005210.3, residues 239-259): EGILLLVRAM[Asp249His]PAVPNMMIDA

ClinVar aggregate classification (germline): Uncertain significance (1 of 4 stars; one submission).

Submission:

GeneDx
Classification: Uncertain significance. Last evaluated: 2024-09-11. Review status: criteria provided, single submitter. Criteria: GeneDx Variant Classification Process June 2021. Collection method: clinical testing. Allele origin: germline. Affected: yes.
Comment: Not observed at significant frequency in large population cohorts (gnomAD); In silico analysis supports that this missense variant has a deleterious effect on protein structure/function; Has not been previously published as pathogenic or benign to our knowledge